The following is an entry in ClinVar:

NM_006206.6(PDGFRA):c.3143G>A (p.Ser1048Asn)

Gene: PDGFRA (platelet derived growth factor receptor alpha; plus strand). Cytogenetic location: 4q12.
Variant type: single nucleotide variant.
Coding change: c.3143G>A on transcript NM_006206.6 (MANE Select); coding-DNA position 3143, G replaced by A.
Protein change: p.Ser1048Asn; replaces serine 1048 with asparagine.
Molecular consequence: missense variant.
Genome position (GRCh38, 1-based): chr4:54,295,145, G>A. VCF-style: chr4-54295145-G-A. GRCh37 (hg19) VCF-style: chr4-55161312-G-A.
Other names: c.3218G>A, p.Ser1073Asn (NM_001347828.2); c.3143G>A, p.Ser1048Asn (NM_001347829.2); c.3182G>A, p.Ser1061Asn (NM_001347830.2); short protein forms S1048N, S1061N, S1073N.
Identifiers: ClinVar variation 1493766 (VCV001493766.10), dbSNP rs2110358477, ClinGen allele CA356896486.

ClinVar aggregate classification (germline): Uncertain significance. Review status: criteria provided, multiple submitters, no conflicts (2 of 4 stars). 2 submissions from 2 submitters: Uncertain significance (2). Last evaluated 2025-06-29.

Conditions:
Hereditary cancer-predisposing syndrome. Also called: Hereditary neoplastic syndrome; Tumor predisposition; Hereditary Cancer Syndrome; Neoplastic Syndromes, Hereditary. Identifiers: Orphanet 140162, MedGen C0027672, MeSH D009386, MONDO:0015356.
Gastrointestinal stromal tumor. Also called: Gastrointestinal stroma tumor; Gastrointestinal stromal tumor, somatic. Identifiers: Orphanet 44890, MedGen C0238198, MeSH D046152, MONDO:0011719, OMIM 606764, HP:0100723.

Submissions (2):

Labcorp Genetics (formerly Invitae), Labcorp
Classification: Uncertain significance for Gastrointestinal stromal tumor. Last evaluated: 2025-06-29. Review status: criteria provided, single submitter. Criteria: Invitae Variant Classification Sherloc (09022015). Collection method: clinical testing. Allele origin: germline.
Comment: This sequence change replaces serine, which is neutral and polar, with asparagine, which is neutral and polar, at codon 1048 of the PDGFRA protein (p.Ser1048Asn). This variant is not present in population databases (gnomAD no frequency). This variant has not been reported in the literature in individuals affected with PDGFRA-related conditions. ClinVar contains an entry for this variant (Variation ID: 1493766). Invitae Evidence Modeling of protein sequence and biophysical properties (such as structural, functional, and spatial information, amino acid conservation, physicochemical variation, residue mobility, and thermodynamic stability) indicates that this missense variant is not expected to disrupt PDGFRA protein function with a negative predictive value of 80%. In summary, the available evidence is currently insufficient to determine the role of this variant in disease. Therefore, it has been classified as a Variant of Uncertain Significance.

Ambry Genetics
Classification: Uncertain significance for Hereditary cancer-predisposing syndrome. Last evaluated: 2022-03-19. Review status: criteria provided, single submitter. Criteria: Ambry Variant Classification Scheme 2023. Collection method: clinical testing. Allele origin: germline.
Comment: The p.S1048N variant (also known as c.3143G>A), located in coding exon 22 of the PDGFRA gene, results from a G to A substitution at nucleotide position 3143. The serine at codon 1048 is replaced by asparagine, an amino acid with highly similar properties. This amino acid position is conserved. In addition, this alteration is predicted to be tolerated by in silico analysis. Since supporting evidence is limited at this time, the clinical significance of this alteration remains unclear.